The following is an entry in ClinVar:

NM_015662.3(IFT172):c.1971T>C (p.Ala657=)

Gene: IFT172 (intraflagellar transport 172; minus strand). Cytogenetic location: 2p23.3.
Variant type: single nucleotide variant.
Coding change: c.1971T>C on transcript NM_015662.3 (MANE Select); coding-DNA position 1971, T replaced by C.
Protein change: p.Ala657=; no amino-acid change (alanine 657 retained).
Molecular consequence: synonymous variant.
Genome position (GRCh38, 1-based): chr2:27,463,148, A>G on the plus strand (T>C on the coding strand, the complement: IFT172 is on the minus strand). VCF-style: chr2-27463148-A-G. GRCh37 (hg19) VCF-style: chr2-27686015-A-G.
Other names: c.1905T>C, p.Ala635= (NM_001410739.1).
Identifiers: ClinVar variation 3032106 (VCV003032106.2), dbSNP rs1364219521, ClinGen allele CA425408985.

ClinVar aggregate classification (germline): Likely benign (0 of 4 stars; one submission).

Conditions:
IFT172-related disorder. Also called: IFT172-related condition; IFT172-related disorders.

Allele frequency attached by ClinVar (database versions not stated): gnomAD 0.00001.
gnomAD v4.1: 1 of 1,614,094 alleles (0.000062%); highest among the groups gnomAD compares: African/African-American, 0.0013%; no homozygotes.

Submission:

PreventionGenetics, part of Exact Sciences
Classification: Likely benign for IFT172-related condition. Last evaluated: 2020-08-14. Review status: no assertion criteria provided. Collection method: clinical testing. Allele origin: germline.
Comment: This variant is classified as likely benign based on ACMG/AMP sequence variant interpretation guidelines (Richards et al. 2015 PMID: 25741868, with internal and published modifications).